The following is an entry in ClinVar:

ClinVar aggregate classification (germline): Uncertain significance (1 of 4 stars; one submission).

Conditions:
EGFR-related lung cancer (EGFR). Identifiers: MedGen CN130014.

Submission:

Labcorp Genetics (formerly Invitae), Labcorp
Classification: Uncertain significance for EGFR-related lung cancer. Last evaluated: 2020-03-29. Review status: criteria provided, single submitter. Criteria: Invitae Variant Classification Sherloc (09022015). Collection method: clinical testing. Allele origin: germline.
Comment: In summary, the available evidence is currently insufficient to determine the role of this variant in disease. Therefore, it has been classified as a Variant of Uncertain Significance. Algorithms developed to predict the effect of missense changes on protein structure and function (SIFT, PolyPhen-2, Align-GVGD) all suggest that this variant is likely to be tolerated, but these predictions have not been confirmed by published functional studies and their clinical significance is uncertain. This variant has not been reported in the literature in individuals with EGFR-related conditions. This variant is not present in population databases (ExAC no frequency). This sequence change replaces histidine with glutamine at codon 1129 of the EGFR protein (p.His1129Gln). The histidine residue is moderately conserved and there is a small physicochemical difference between histidine and glutamine.

NM_005228.5(EGFR):c.3387C>A (p.His1129Gln)

Gene: EGFR (epidermal growth factor receptor; plus strand). Cytogenetic location: 7p11.2.
Variant type: single nucleotide variant.
Coding change: c.3387C>A on transcript NM_005228.5 (MANE Select); coding-DNA position 3387, C replaced by A.
Protein change: p.His1129Gln; replaces histidine 1129 with glutamine.
Molecular consequence: missense variant.
Genome position (GRCh38, 1-based): chr7:55,205,371, C>A. VCF-style: chr7-55205371-C-A. GRCh37 (hg19) VCF-style: chr7-55273064-C-A.
Other names: c.3252C>A, p.His1084Gln (NM_001346899.2); c.3228C>A, p.His1076Gln (NM_001346900.2); c.2586C>A, p.His862Gln (NM_001346941.2); short protein forms H1076Q, H1084Q, H1129Q, H862Q.
Identifiers: ClinVar variation 1012017 (VCV001012017.6), dbSNP rs1788067537, ClinGen allele CA367584507.
Genomic context (GRCh38, chr7:55,205,371, plus strand): 5'-CTATCACAATCAGCCTCTGAACCCCGCGCCCAGCAGAGACCCACACTACCAGGACCCCCA[C>A]AGCACTGCAGTGGGCAACCCCGAGTATCTCAACACTGTCCAGCCCACCTGTGTCAACAGC-3'
Protein context (NP_005219.2, residues 1119-1139): PSRDPHYQDP[His1129Gln]STAVGNPEYL